The following is an entry in ClinVar:

NM_004373.4(COX6A1):c.272A>G (p.His91Arg)

Gene: COX6A1 (cytochrome c oxidase subunit 6A1; plus strand). Cytogenetic location: 12q24.31.
Variant type: single nucleotide variant.
Coding change: c.272A>G on transcript NM_004373.4 (MANE Select); coding-DNA position 272, A replaced by G.
Protein change: p.His91Arg; replaces histidine 91 with arginine.
Molecular consequence: missense variant.
Genome position (GRCh38, 1-based): chr12:120,440,479, A>G. VCF-style: chr12-120440479-A-G. GRCh37 (hg19) VCF-style: chr12-120878282-A-G.
Other names: short protein forms H91R.
Identifiers: ClinVar variation 1408695 (VCV001408695.4), dbSNP rs556385005, ClinGen allele CA6828063.

ClinVar aggregate classification (germline): Uncertain significance (1 of 4 stars; one submission).

Allele frequency attached by ClinVar (database versions not stated): gnomAD 0.00001; gnomAD exomes 0.00001; TOPMed 0.00001; ExAC 0.00002; 1000 Genomes Project 30x 0.00016; 1000 Genomes Project 0.00020.

Submission:

Labcorp Genetics (formerly Invitae), Labcorp
Classification: Uncertain significance. Last evaluated: 2022-08-15. Review status: criteria provided, single submitter. Criteria: Invitae Variant Classification Sherloc (09022015). Collection method: clinical testing. Allele origin: germline.
Comment: Algorithms developed to predict the effect of missense changes on protein structure and function (SIFT, PolyPhen-2, Align-GVGD) all suggest that this variant is likely to be tolerated. In summary, the available evidence is currently insufficient to determine the role of this variant in disease. Therefore, it has been classified as a Variant of Uncertain Significance. ClinVar contains an entry for this variant (Variation ID: 1408695). This variant has not been reported in the literature in individuals affected with COX6A1-related conditions. This variant is present in population databases (rs556385005, gnomAD 0.007%). This sequence change replaces histidine, which is basic and polar, with arginine, which is basic and polar, at codon 91 of the COX6A1 protein (p.His91Arg).